The following is an entry in ClinVar:

Conditions:
Breast-ovarian cancer, familial, susceptibility to, 1 (BROVCA1). Also called: BRCA1 Hereditary Breast and Ovarian Cancer; OVARIAN CANCER, SUSCEPTIBILITY TO. Identifiers: Orphanet 145, MedGen C2676676, MONDO:0011450, OMIM 604370. Disease mechanism: loss of function.

Submission:

Brotman Baty Institute, University of Washington
No classification provided (evidence only). Condition: Breast-ovarian cancer, familial 1. Review status: no classification provided. Collection method: in vitro. Allele origin: not applicable. Functional consequence: functionally_abnormal.
ClinVar note: "not provided" was previously submitted as the classification for the variant. However, the classification appeared to be based only on an observation of functional data so it was converted to no classification on 2025-07-30.

NM_007294.4(BRCA1):c.286G>T (p.Asp96Tyr)

Gene: BRCA1 (BRCA1 DNA repair associated; minus strand). Cytogenetic location: 17q21.31.
Variant type: single nucleotide variant.
Coding change: c.286G>T on transcript NM_007294.4 (MANE Select); coding-DNA position 286, G replaced by T.
Protein change: p.Asp96Tyr; replaces aspartic acid 96 with tyrosine.
Molecular consequence: missense variant. On other transcripts: non-coding transcript variant (1).
Genome position (GRCh38, 1-based): chr17:43,104,883, C>A on the plus strand (G>T on the coding strand, the complement: BRCA1 is on the minus strand). VCF-style: chr17-43104883-C-A. GRCh37 (hg19) VCF-style: chr17-41256900-C-A.
Other names: c.286G>T, p.Asp96Tyr (NM_001407940.1, NM_001407941.1, NM_001407968.1 and 168 more transcripts); c.145G>T, p.Asp49Tyr (NM_001407942.1, NM_001407943.1, NM_001407944.1 and 99 more transcripts); c.76G>T, p.Asp26Tyr (NM_001407946.1, NM_001407947.1, NM_001407948.1 and 58 more transcripts); c.-96G>T (NM_001407959.1, NM_001407960.1, NM_001407962.1 and 4 more transcripts); c.208G>T, p.Asp70Tyr (NM_001408409.1, NM_001408411.1, NM_001408412.1 and 21 more transcripts); c.154G>T, p.Asp52Tyr (NM_001408451.1); short protein forms D49Y, D96Y, D26Y, D52Y, D70Y.
Identifiers: ClinVar variation 868825 (VCV000868825.3), dbSNP rs80357110, ClinGen allele CA10601581.